The following is an entry in ClinVar:

NM_000090.4(COL3A1):c.1662+5G>A

Gene: COL3A1 (collagen type III alpha 1 chain; plus strand). Cytogenetic location: 2q32.2.
Variant type: single nucleotide variant.
Coding change: c.1662+5G>A on transcript NM_000090.4 (MANE Select); 5 bases into the intron after coding-DNA position 1662, G replaced by A.
Molecular consequence: intron variant.
Genome position (GRCh38, 1-based): chr2:188,996,183, G>A. VCF-style: chr2-188996183-G-A. GRCh37 (hg19) VCF-style: chr2-189860909-G-A.
Other names: c.1662+5G>A (NM_000090.3).
Identifiers: ClinVar variation 3766846 (VCV003766846.2).

ClinVar aggregate classification (germline): Conflicting classifications of pathogenicity. Review status: criteria provided, conflicting classifications (1 of 4 stars). 2 submissions from 2 submitters: Pathogenic (1); Uncertain significance (1). Last evaluated 2025-10-22.

Submissions (2):

Mayo Clinic Laboratories, Mayo Clinic
Classification: Pathogenic. Last evaluated: 2025-10-22. Review status: criteria provided, single submitter. Criteria: ACMG Guidelines, 2015. Collection method: clinical testing. Allele origin: germline. Observed: 1 variant allele.
Comment: PP4, PM2_supporting, PS1_moderate, PS2, PVS1_strong

ARUP Laboratories, Molecular Genetics and Genomics, ARUP Laboratories
Classification: Uncertain significance. Last evaluated: 2024-09-24. Review status: criteria provided, single submitter. Criteria: ARUP Molecular Germline Variant Investigation Process 2024. Collection method: clinical testing. Allele origin: germline.
Comment: The COL3A1 c.1662+5G>A variant is reported in the literature in an individual affected with aortic dissection (Solyst 2022). This variant is absent from the Genome Aggregation Database (v2.1.1), indicating it is not a common polymorphism. This is an intronic variant and computational analyses (Alamut Visual Plus v.1.5.1) predict that this variant may impact splicing by weakening the nearby canonical donor splice site. Another variant impacting the same splice donor site (c.1162+1G>A) has been reported in individuals with Ehlers-Danlos syndrome and is considered pathogenic (Frank 2015, Legrand 2019). However, given the limited clinical data and lack of functional data, the significance of the c.1662+5G>A variant is uncertain at this time. References: Frank M et al. The type of variants at the COL3A1 gene associates with the phenotype and severity of vascular Ehlers-Danlos syndrome. Eur J Hum Genet. 2015 Dec;23(12):1657-64. PMID: 25758994. Legrand A et al. Frequency of de novo variants and parental mosaicism in vascular Ehlers-Danlos syndrome. Genet Med. 2019 Jul;21(7):1568-1575. PMID: 30474650. Solyst S et al. Carriers of COL3A1 pathogenic variants in Denmark: Interfamilial variability in severity and outcome of elective surgical procedures. Clin Genet. 2022 Sep;102(3):191-200. PMID: 35699227.

Literature cited by the submitters: PubMed 25758994 (cited by Mayo Clinic Laboratories, Mayo Clinic); PubMed 35699227 (cited by Mayo Clinic Laboratories, Mayo Clinic); PubMed 36189931 (cited by Mayo Clinic Laboratories, Mayo Clinic); PubMed 37937776 (cited by Mayo Clinic Laboratories, Mayo Clinic).